The following is an entry in ClinVar:

ClinVar aggregate classification (germline): Uncertain significance (1 of 4 stars; one submission).

Allele frequency attached by ClinVar (database versions not stated): gnomAD 0.00001.
gnomAD v4.1: 1 of 1,589,290 alleles (0.000063%); highest among the groups gnomAD compares: African/African-American, 0.0013%; no homozygotes.

Submission:

Labcorp Genetics (formerly Invitae), Labcorp
Classification: Uncertain significance. Last evaluated: 2025-11-24. Review status: criteria provided, single submitter. Criteria: Invitae Variant Classification Sherloc (09022015). Collection method: clinical testing. Allele origin: germline.
Comment: This sequence change replaces methionine, which is neutral and non-polar, with arginine, which is basic and polar, at codon 676 of the POLE protein (p.Met676Arg). This variant is not present in population databases (gnomAD no frequency). This variant has not been reported in the literature in individuals affected with POLE-related conditions. ClinVar contains an entry for this variant (Variation ID: 2198400). An algorithm developed to predict the effect of missense changes on protein structure and function (PolyPhen-2) suggests that this variant is likely to be disruptive. In summary, the available evidence is currently insufficient to determine the role of this variant in disease. Therefore, it has been classified as a Variant of Uncertain Significance.

NM_006231.4(POLE):c.2027T>G (p.Met676Arg)

Gene: POLE (DNA polymerase epsilon, catalytic subunit; minus strand). Cytogenetic location: 12q24.33.
Variant type: single nucleotide variant.
Coding change: c.2027T>G on transcript NM_006231.4 (MANE Select); coding-DNA position 2027, T replaced by G.
Protein change: p.Met676Arg; replaces methionine 676 with arginine.
Molecular consequence: missense variant.
Genome position (GRCh38, 1-based): chr12:132,668,502, A>C on the plus strand (T>G on the coding strand, the complement: POLE is on the minus strand). VCF-style: chr12-132668502-A-C. GRCh37 (hg19) VCF-style: chr12-133245088-A-C.
Other names: short protein forms M676R.
Identifiers: ClinVar variation 2198400 (VCV002198400.4), dbSNP rs2042848160, ClinGen allele CA387354488.
Genomic context (GRCh38, chr12:132,668,502, plus strand): 5'-GGGAACTTCTCTGACTCCAGCTGGTGCTGGATCCGATGGTATTCGCTGCGACTGGCTGGC[A>C]CTGGGAAGGAGGCAATGGGGGCAAGTTCAAAAGGAGGCACAGACACACCGGCTTCCCACC-3'
Protein context (NP_006222.2, residues 666-686): KMAWQWRGEF[Met676Arg]PASRSEYHRI